The following is an entry in ClinVar:

NM_002951.5(RPN2):c.1540G>A (p.Val514Ile)

Gene: RPN2 (ribophorin II; plus strand). Cytogenetic location: 20q11.23.
Variant type: single nucleotide variant.
Coding change: c.1540G>A on transcript NM_002951.5 (MANE Select); coding-DNA position 1540, G replaced by A.
Protein change: p.Val514Ile; replaces valine 514 with isoleucine.
Molecular consequence: missense variant.
Genome position (GRCh38, 1-based): chr20:37,230,018, G>A. VCF-style: chr20-37230018-G-A. GRCh37 (hg19) VCF-style: chr20-35858421-G-A.
Other names: c.1540G>A (NM_002951.3); c.1444G>A, p.Val482Ile (NM_001135771.3); c.1540G>A, p.Val514Ile (NM_001324299.2, NM_001324302.2, NM_001324303.2 and 1 more transcripts); c.1588G>A, p.Val530Ile (NM_001324301.2, NM_001324305.2); c.1069G>A, p.Val357Ile (NM_001324306.2); short protein forms V357I, V482I, V514I, V530I.
Identifiers: ClinVar variation 1011890 (VCV001011890.8), dbSNP rs2068196334, ClinGen allele CA408850781.

ClinVar aggregate classification (germline): Uncertain significance. Review status: criteria provided, multiple submitters, no conflicts (2 of 4 stars). 2 submissions from 2 submitters: Uncertain significance (2). Last evaluated 2025-07-12.

Conditions:
Congenital disorder of glycosylation (CDG). Also called: Carbohydrate-deficient glycoprotein syndrome; Congenital disorders of glycosylation. Identifiers: Orphanet 137, MedGen C0282577, MONDO:0015286.

Allele frequency attached by ClinVar (database versions not stated): gnomAD exomes below 0.00001; gnomAD 0.00001.
gnomAD v4.1: 4 of 1,614,036 alleles (0.00025%); highest among the groups gnomAD compares: Non-Finnish European, 0.00034%; no homozygotes.

Submissions (2):

Ambry Genetics
Classification: Uncertain significance. Last evaluated: 2025-07-12. Review status: criteria provided, single submitter. Criteria: Ambry Variant Classification Scheme 2023. Collection method: clinical testing. Allele origin: germline.

Labcorp Genetics (formerly Invitae), Labcorp
Classification: Uncertain significance for Congenital disorder of glycosylation. Last evaluated: 2020-08-16. Review status: criteria provided, single submitter. Criteria: Invitae Variant Classification Sherloc (09022015). Collection method: clinical testing. Allele origin: germline.
Comment: Algorithms developed to predict the effect of missense changes on protein structure and function output the following: SIFT: "Not Available"; PolyPhen-2: "Benign"; Align-GVGD: "Not Available". The isoleucine amino acid residue is found in multiple mammalian species, suggesting that this missense change does not adversely affect protein function. These predictions have not been confirmed by published functional studies and their clinical significance is uncertain. In summary, the available evidence is currently insufficient to determine the role of this variant in disease. Therefore, it has been classified as a Variant of Uncertain Significance. This variant has not been reported in the literature in individuals with RPN2-related conditions. This variant is not present in population databases (ExAC no frequency). This sequence change replaces valine with isoleucine at codon 514 of the RPN2 protein (p.Val514Ile). The valine residue is moderately conserved and there is a small physicochemical difference between valine and isoleucine.